The following is an entry in ClinVar:

ClinVar aggregate classification (germline): Uncertain significance (1 of 4 stars; one submission).

Conditions:
Cardiovascular phenotype. Identifiers: MedGen CN230736.

Allele frequency attached by ClinVar (database versions not stated): ExAC 0.00001; gnomAD 0.00001.
gnomAD v4.1: 3 of 1,607,704 alleles (0.00019%); highest among the groups gnomAD compares: Non-Finnish European, 0.00025%; no homozygotes.

Submission:

Ambry Genetics
Classification: Uncertain significance for Cardiovascular phenotype. Last evaluated: 2019-05-13. Review status: criteria provided, single submitter. Criteria: Ambry Variant Classification Scheme 2023. Collection method: clinical testing. Allele origin: germline.
Comment: The p.A26T variant (also known as c.76G>A), located in coding exon 1 of the PRDM5 gene, results from a G to A substitution at nucleotide position 76. The alanine at codon 26 is replaced by threonine, an amino acid with similar properties. This amino acid position is highly conserved in available vertebrate species. In addition, this alteration is predicted to be tolerated by in silico analysis. Since supporting evidence is limited at this time, the clinical significance of this alteration remains unclear.

NM_018699.4(PRDM5):c.76G>A (p.Ala26Thr)

Gene: PRDM5 (PR/SET domain 5; minus strand). Cytogenetic location: 4q27.
Variant type: single nucleotide variant.
Coding change: c.76G>A on transcript NM_018699.4 (MANE Select); coding-DNA position 76, G replaced by A.
Protein change: p.Ala26Thr; replaces alanine 26 with threonine.
Molecular consequence: missense variant.
Genome position (GRCh38, 1-based): chr4:120,922,533, C>T on the plus strand (G>A on the coding strand, the complement: PRDM5 is on the minus strand). VCF-style: chr4-120922533-C-T. GRCh37 (hg19) VCF-style: chr4-121843688-C-T.
Other names: c.76G>A, p.Ala26Thr (NM_001300823.2, NM_001300824.2, NM_001379104.1 and 1 more transcripts); short protein forms A26T.
Identifiers: ClinVar variation 1760214 (VCV001760214.2), dbSNP rs772519332, ClinGen allele CA3061530.